The following is an entry in ClinVar:

NM_000169.3(GLA):c.371T>A (p.Val124Asp)

Genes: GLA (galactosidase alpha; minus strand), RPL36A-HNRNPH2 (RPL36A-HNRNPH2 readthrough; plus strand). Cytogenetic location: Xq22.1.
Variant type: single nucleotide variant.
Coding change: c.371T>A on transcript NM_000169.3 (MANE Select); coding-DNA position 371, T replaced by A.
Protein change: p.Val124Asp; replaces valine 124 with aspartic acid.
Molecular consequence: missense variant. On other transcripts: non-coding transcript variant (3), intron variant (2).
Genome position (GRCh38, 1-based): chrX:101,401,808, A>T on the plus strand (T>A on the coding strand, the complement: GLA is on the minus strand). VCF-style: chrX-101401808-A-T. GRCh37 (hg19) VCF-style: chrX-100656796-A-T.
Other names: c.494T>A, p.Val165Asp (NM_001406747.1, NM_001406749.1); c.371T>A, p.Val124Asp (NM_001406748.1); c.300+6351A>T (NM_001199973.2); c.177+9986A>T (NM_001199974.2); short protein forms V124D, V165D.
Identifiers: ClinVar variation 4087348 (VCV004087348.2).

ClinVar aggregate classification (germline): Likely pathogenic (1 of 4 stars; one submission).

Conditions:
Fabry disease. Also called: ALPHA-GALACTOSIDASE A DEFICIENCY; ANDERSON-FABRY DISEASE; CERAMIDE TRIHEXOSIDASE DEFICIENCY; GLA DEFICIENCY; HEREDITARY DYSTOPIC LIPIDOSIS; Angiokeratoma corporis diffusum. Identifiers: Orphanet 324, MedGen C0002986, MONDO:0010526, OMIM 301500, HP:0001071. Disease mechanism: Fabry disease is due to inactivating mutations in the X-linked GLA gene resulting in deficiency of the enzyme Alpha Galactosidase-A., loss of function.

Submission:

Genomenon, Inc
Classification: Likely pathogenic for Fabry disease. Last evaluated: 2026-09-08. Review status: criteria provided, single submitter. Criteria: Genomenon Sequence Variant Interpretation Standards - Updated. Collection method: curation. Allele origin: germline. Affected: yes.
Comment: GLA p.Val124Asp (c.371T>A) is a missense variant that changes the amino acid at codon 124 from Valine to Aspartic acid. This variant has been observed in at least one proband with clinical features consistent with Fabry disease (PMID:36165155). At least one functional study has demonstrated a substantial alteration in protein function relative to the wild-type (PMID:27657681). It is absent or not present at a significant frequency in gnomAD. In silico models predict that this variant is possibly or probably damaging. In conclusion, we classify GLA p.Val124Asp (c.371T>A) as a likely pathogenic variant.

Literature cited by the submitters: PubMed 36165155; PubMed 27657681.